The following is an entry in ClinVar:

ClinVar aggregate classification (germline): Uncertain significance (1 of 4 stars; one submission).

gnomAD v4.1: 83 of 1,613,162 alleles (0.0051%); highest among the groups gnomAD compares: Admixed American, 0.0067%; 1 homozygote.

Submission:

Labcorp Genetics (formerly Invitae), Labcorp
Classification: Uncertain significance. Last evaluated: 2025-09-16. Review status: criteria provided, single submitter. Criteria: Invitae Variant Classification Sherloc (09022015). Collection method: clinical testing. Allele origin: germline.
Comment: This sequence change replaces histidine, which is basic and polar, with arginine, which is basic and polar, at codon 504 of the GCKR protein (p.His504Arg). This variant is present in population databases (rs192016718, gnomAD 0.009%). This missense change has been observed in individual(s) with dyslipidemia (PMID: 36325899). Invitae Evidence Modeling of protein sequence and biophysical properties (such as structural, functional, and spatial information, amino acid conservation, physicochemical variation, residue mobility, and thermodynamic stability) indicates that this missense variant is not expected to disrupt GCKR protein function with a negative predictive value of 80%. In summary, the available evidence is currently insufficient to determine the role of this variant in disease. Therefore, it has been classified as a Variant of Uncertain Significance.

Literature cited by the submitters: PubMed 36325899.

NM_001486.4(GCKR):c.1511A>G (p.His504Arg)

Gene: GCKR (glucokinase regulator; plus strand). Cytogenetic location: 2p23.3.
Variant type: single nucleotide variant.
Coding change: c.1511A>G on transcript NM_001486.4 (MANE Select); coding-DNA position 1511, A replaced by G.
Protein change: p.His504Arg; replaces histidine 504 with arginine.
Molecular consequence: missense variant.
Genome position (GRCh38, 1-based): chr2:27,518,876, A>G. VCF-style: chr2-27518876-A-G. GRCh37 (hg19) VCF-style: chr2-27741743-A-G.
Other names: short protein forms H504R.
Identifiers: ClinVar variation 4810325 (VCV004810325.1).